The following is an entry in ClinVar:

NM_001943.5(DSG2):c.2638A>C (p.Asn880His)

Genes: DSG2 (desmoglein 2; plus strand), DSG2-AS1 (DSG2 antisense RNA 1; minus strand). Cytogenetic location: 18q12.1.
Variant type: single nucleotide variant.
Coding change: c.2638A>C on transcript NM_001943.5 (MANE Select); coding-DNA position 2638, A replaced by C.
Protein change: p.Asn880His; replaces asparagine 880 with histidine.
Molecular consequence: missense variant.
Genome position (GRCh38, 1-based): chr18:31,546,024, A>C. VCF-style: chr18-31546024-A-C. GRCh37 (hg19) VCF-style: chr18-29125987-A-C.
Other names: short protein forms N880H.
Identifiers: ClinVar variation 920839 (VCV000920839.15), dbSNP rs745617885, ClinGen allele CA046678.
Genomic context (GRCh38, chr18:31,546,024, plus strand): 5'-GAAACAAGTATGAACACAGCTTCACATTCACTCTGTGAGCAAACTATGGTTAATTCAGAG[A>C]ATACCTACTCCTCTGGCAGTAGCTTCCCAGTTCCAAAATCTTTGCAAGAAGCCAATGCAG-3'
Protein context (NP_001934.2, residues 870-890): LCEQTMVNSE[Asn880His]TYSSGSSFPV

ClinVar aggregate classification (germline): Conflicting classifications of pathogenicity. Review status: criteria provided, conflicting classifications (1 of 4 stars). 4 submissions from 4 submitters: Uncertain significance (3); Likely benign (1). Last evaluated 2024-07-20.

Conditions:
Cardiovascular phenotype. Identifiers: MedGen CN230736.
Cardiomyopathy (CMYO). Also called: Cardiomyopathies. Identifiers: Orphanet 167848, MedGen C0878544, MONDO:0004994, HP:0001638. Inheritance: Various modes of inheritance.
Arrhythmogenic right ventricular cardiomyopathy (ARVD). Also called: Arrhythmogenic cardiomyopathy; Cardiomyopathy, ARVC; Arrhythmogenic right ventricular dysplasia; Arrhythmogenic Right Ventricular Cardiomyopathy (ARVC). Identifiers: Orphanet 247, MedGen C0349788, MeSH D019571, MONDO:0016587. Disease mechanism: loss of function. Inheritance: Various modes of inheritance.
Arrhythmogenic right ventricular dysplasia 10. Also called: Arrhythmogenic Right Ventricular Dysplasia/Cardiomyopathy10; ARRHYTHMOGENIC RIGHT VENTRICULAR DYSPLASIA, FAMILIAL, 10; Arrhythmogenic right ventricular dysplasia/cardiomyopathy, type 10. Identifiers: MedGen C1857777, MONDO:0012434, OMIM 610193.

Allele frequency attached by ClinVar (database versions not stated): gnomAD 0.00001; gnomAD exomes 0.00001 and 0.00003; ExAC 0.00004.
gnomAD v4.1: 21 of 1,614,218 alleles (0.0013%); highest among the groups gnomAD compares: South Asian, 0.022%; no homozygotes.

Submissions (4):

All of Us Research Program, National Institutes of Health
Classification: Uncertain significance for Arrhythmogenic right ventricular cardiomyopathy. Last evaluated: 2024-07-20. Review status: criteria provided, single submitter. Criteria: ACMG Guidelines, 2015. Collection method: clinical testing. Allele origin: germline. Inheritance: Autosomal dominant inheritance. Observed: 4 variant alleles, 4 heterozygotes.
Comment: Variant of Uncertain Significance due to insufficient evidence: This missense variant is located in the cytoplasmic domain of the DSG2 protein. Computational prediction tools and conservation analyses are inconclusive regarding the impact of this variant on the protein function. Computational splicing tools suggest that this variant may not impact RNA splicing. To our knowledge, functional assays have not been performed for this variant nor has this variant been reported in individuals affected with cardiovascular disorders in the literature. This variant has been identified in 7/245276 chromosomes in the general population by the Genome Aggregation Database (gnomAD). Available evidence is insufficient to determine the pathogenicity of this variant conclusively.

This study involves interpretation of variants in research participants for the purpose of population health screening. Participant phenotype was not available at the time of variant classification. Additional details can be found in publication PMID: 35346344, PMCID: PMC8962531

Labcorp Genetics (formerly Invitae), Labcorp
Classification: Uncertain significance for Arrhythmogenic right ventricular dysplasia 10. Last evaluated: 2024-04-03. Review status: criteria provided, single submitter. Criteria: Invitae Variant Classification Sherloc (09022015). Collection method: clinical testing. Allele origin: germline.
Comment: This sequence change replaces asparagine, which is neutral and polar, with histidine, which is basic and polar, at codon 880 of the DSG2 protein (p.Asn880His). This variant is present in population databases (rs745617885, gnomAD 0.02%). This variant has not been reported in the literature in individuals affected with DSG2-related conditions. ClinVar contains an entry for this variant (Variation ID: 920839). Advanced modeling of protein sequence and biophysical properties (such as structural, functional, and spatial information, amino acid conservation, physicochemical variation, residue mobility, and thermodynamic stability) performed at Invitae indicates that this missense variant is not expected to disrupt DSG2 protein function with a negative predictive value of 95%. In summary, the available evidence is currently insufficient to determine the role of this variant in disease. Therefore, it has been classified as a Variant of Uncertain Significance.

Color Diagnostics, LLC DBA Color Health
Classification: Uncertain significance for Cardiomyopathy. Last evaluated: 2024-03-06. Review status: criteria provided, single submitter. Criteria: ACMG Guidelines, 2015. Collection method: clinical testing. Allele origin: germline.
Comment: This missense variant replaces asparagine with histidine at codon 880 of the DSG2 protein. Computational prediction suggests that this variant may not impact protein structure and function (internally defined REVEL score threshold <= 0.5, PMID: 27666373). To our knowledge, functional studies have not been reported for this variant. This variant has not been reported in individuals affected with cardiovascular disorders in the literature. This variant has been identified in 7/248646 chromosomes in the general population by the Genome Aggregation Database (gnomAD). The available evidence is insufficient to determine the role of this variant in disease conclusively. Therefore, this variant is classified as a Variant of Uncertain Significance.

Ambry Genetics
Classification: Likely benign for Cardiovascular phenotype. Last evaluated: 2023-03-07. Review status: criteria provided, single submitter. Criteria: Ambry Variant Classification Scheme 2023. Collection method: clinical testing. Allele origin: germline.